The following is an entry in ClinVar:

NM_017849.4(TMEM127):c.139G>A (p.Ala47Thr)

Gene: TMEM127 (transmembrane protein 127; minus strand). Cytogenetic location: 2q11.2.
Variant type: single nucleotide variant.
Coding change: c.139G>A on transcript NM_017849.4 (MANE Select); coding-DNA position 139, G replaced by A.
Protein change: p.Ala47Thr; replaces alanine 47 with threonine.
Molecular consequence: missense variant.
Genome position (GRCh38, 1-based): chr2:96,265,243, C>T on the plus strand (G>A on the coding strand, the complement: TMEM127 is on the minus strand). VCF-style: chr2-96265243-C-T. GRCh37 (hg19) VCF-style: chr2-96930981-C-T.
Other names: c.139G>A, p.Ala47Thr (NM_001193304.3); c.139G>A (NM_017849.3); short protein forms A47T.
Identifiers: ClinVar variation 1378282 (VCV001378282.9), dbSNP rs2104307805, ClinGen allele CA347656040.

ClinVar aggregate classification (germline): Uncertain significance. Review status: criteria provided, multiple submitters, no conflicts (2 of 4 stars). 2 submissions from 2 submitters: Uncertain significance (2). Last evaluated 2026-07-07.

Conditions:
Hereditary cancer-predisposing syndrome. Also called: Hereditary Cancer Syndrome; Neoplastic Syndromes, Hereditary; Hereditary neoplastic syndrome; Tumor predisposition. Identifiers: Orphanet 140162, MedGen C0027672, MeSH D009386, MONDO:0015356.
Hereditary pheochromocytoma and paraganglioma. Also called: Hereditary pheochromocytoma-paraganglioma; Hereditary Paraganglioma-Pheochromocytoma Syndromes; Hereditary paragangliomas and pheochromocytomas. Identifiers: Orphanet 29072, MedGen C4274332, MONDO:0017366.

Allele frequency attached by ClinVar (database versions not stated): gnomAD exomes below 0.00001.
gnomAD v4.1: 3 of 1,596,002 alleles (0.00019%); highest among the groups gnomAD compares: Non-Finnish European, 0.00017%; no homozygotes.

Submissions (2):

Ambry Genetics
Classification: Uncertain significance for Hereditary cancer-predisposing syndrome. Last evaluated: 2026-07-07. Review status: criteria provided, single submitter. Criteria: Ambry Variant Classification Scheme 2023. Collection method: clinical testing. Allele origin: germline.
Comment: The p.A47T variant (also known as c.139G>A), located in coding exon 1 of the TMEM127 gene, results from a G to A substitution at nucleotide position 139. The alanine at codon 47 is replaced by threonine, an amino acid with similar properties. This amino acid position is conserved. In addition, this alteration is predicted to be deleterious by in silico analysis. Based on the available evidence, the clinical significance of this variant remains unclear.

Labcorp Genetics (formerly Invitae), Labcorp
Classification: Uncertain significance for Hereditary pheochromocytoma and paraganglioma. Last evaluated: 2026-01-02. Review status: criteria provided, single submitter. Criteria: Invitae Variant Classification Sherloc (09022015). Collection method: clinical testing. Allele origin: germline.
Comment: This sequence change replaces alanine, which is neutral and non-polar, with threonine, which is neutral and polar, at codon 47 of the TMEM127 protein (p.Ala47Thr). This variant is not present in population databases (gnomAD no frequency). This variant has not been reported in the literature in individuals affected with TMEM127-related conditions. ClinVar contains an entry for this variant (Variation ID: 1378282). An algorithm developed to predict the effect of missense changes on protein structure and function (PolyPhen-2) suggests that this variant is likely to be tolerated. In summary, the available evidence is currently insufficient to determine the role of this variant in disease. Therefore, it has been classified as a Variant of Uncertain Significance.